The following is an entry in ClinVar:

ClinVar aggregate classification (germline): Uncertain significance (1 of 4 stars; one submission).

Allele frequency attached by ClinVar (database versions not stated): ExAC 0.00002; gnomAD 0.00002; gnomAD exomes 0.00002; TOPMed 0.00002.
gnomAD v4.1: 10 of 1,614,010 alleles (0.00062%); highest among the groups gnomAD compares: African/African-American, 0.0027%; no homozygotes.

Submission:

Labcorp Genetics (formerly Invitae), Labcorp
Classification: Uncertain significance. Last evaluated: 2021-08-04. Review status: criteria provided, single submitter. Criteria: Invitae Variant Classification Sherloc (09022015). Collection method: clinical testing. Allele origin: germline.
Comment: In summary, the available evidence is currently insufficient to determine the role of this variant in disease. Therefore, it has been classified as a Variant of Uncertain Significance. Algorithms developed to predict the effect of missense changes on protein structure and function (SIFT, PolyPhen-2, Align-GVGD) all suggest that this variant is likely to be tolerated, but these predictions have not been confirmed by published functional studies and their clinical significance is uncertain. This variant has not been reported in the literature in individuals with C8B-related conditions. This variant is present in population databases (rs752999987, ExAC 0.01%). This sequence change replaces serine with arginine at codon 269 of the C8B protein (p.Ser269Arg). The serine residue is weakly conserved and there is a moderate physicochemical difference between serine and arginine.

NM_000066.4(C8B):c.805A>C (p.Ser269Arg)

Gene: C8B (complement C8 beta chain; minus strand). Cytogenetic location: 1p32.2.
Variant type: single nucleotide variant.
Coding change: c.805A>C on transcript NM_000066.4 (MANE Select); coding-DNA position 805, A replaced by C.
Protein change: p.Ser269Arg; replaces serine 269 with arginine.
Molecular consequence: missense variant.
Genome position (GRCh38, 1-based): chr1:56,949,614, T>G on the plus strand (A>C on the coding strand, the complement: C8B is on the minus strand). VCF-style: chr1-56949614-T-G. GRCh37 (hg19) VCF-style: chr1-57415287-T-G.
Other names: c.649A>C, p.Ser217Arg (NM_001278543.2); c.619A>C, p.Ser207Arg (NM_001278544.2); short protein forms S217R, S207R, S269R.
Identifiers: ClinVar variation 1391193 (VCV001391193.8), dbSNP rs752999987, ClinGen allele CA875859.